The following is an entry in ClinVar:

ClinVar aggregate classification (germline): Likely benign. Review status: reviewed by expert panel (3 of 4 stars). 7 submissions from 7 submitters: Likely benign (1). 6 of the submissions do not count toward it. Last evaluated 2017-06-29.

Conditions:
Hereditary cancer-predisposing syndrome. Also called: Tumor predisposition; Hereditary Cancer Syndrome; Hereditary neoplastic syndrome; Neoplastic Syndromes, Hereditary. Identifiers: Orphanet 140162, MedGen C0027672, MeSH D009386, MONDO:0015356.
Hereditary breast ovarian cancer syndrome. Also called: Breast and ovarian cancer; Hereditary breast and ovarian cancer syndrome; Hereditary breast and ovarian cancer; BRCA1- and BRCA2-Associated Hereditary Breast and Ovarian Cancer; Hereditary breast and ovarian cancer syndrome (HBOC); Hereditary breast and/or ovarian cancer syndrome. Identifiers: Orphanet 145, MedGen C0677776, MeSH D061325, MONDO:0003582. Disease mechanism: loss of function.
Breast-ovarian cancer, familial, susceptibility to, 2 (BROVCA2). Also called: BRCA2 Hereditary Breast and Ovarian Cancer. Identifiers: Orphanet 145, MedGen C2675520, MONDO:0012933, OMIM 612555. Disease mechanism: loss of function.

Allele frequency attached by ClinVar (database versions not stated): gnomAD 0.00001; gnomAD exomes 0.00001 and 0.00002; ExAC 0.00002.
gnomAD v4.1: 15 of 1,608,058 alleles (0.00093%); highest among the groups gnomAD compares: South Asian, 0.012%; no homozygotes.

Submissions (7):

Evidence-based Network for the Interpretation of Germline Mutant Alleles (ENIGMA)
Classification: Likely benign for Breast-ovarian cancer, familial, susceptibility to, 2. Last evaluated: 2017-06-29. Review status: reviewed by expert panel. Criteria: ENIGMA BRCA1/2 Classification Criteria (2017-06-29). Collection method: curation. Allele origin: germline.
Comment: Synonymous substitution variant, with low bioinformatic likelihood to result in a splicing aberration (Splicing prior probability 0.02).

Labcorp Genetics (formerly Invitae), Labcorp
Classification: Likely benign for Hereditary breast ovarian cancer syndrome. Last evaluated: 2026-01-14. Review status: criteria provided, single submitter. Criteria: Invitae Variant Classification Sherloc (09022015). Collection method: clinical testing. Allele origin: germline. Not counted in ClinVar's aggregate classification.

All of Us Research Program, National Institutes of Health
Classification: Likely benign for Breast-ovarian cancer, familial, susceptibility to, 2. Last evaluated: 2023-10-30. Review status: criteria provided, single submitter. Criteria: ACMG Guidelines, 2015. Collection method: clinical testing. Allele origin: germline. Inheritance: Autosomal dominant inheritance. Observed: 2 variant alleles, 2 heterozygotes. Not counted in ClinVar's aggregate classification.
Comment: This study involves interpretation of variants in research participants for the purpose of population health screening. Participant phenotype was not available at the time of variant classification. Additional details can be found in publication PMID: 35346344, PMCID: PMC8962531

Women's Health and Genetics/Laboratory Corporation of America, LabCorp
Classification: Likely benign. Last evaluated: 2019-04-15. Review status: criteria provided, single submitter. Criteria: LabCorp Variant Classification Summary - May 2015. Collection method: clinical testing. Allele origin: germline. Not counted in ClinVar's aggregate classification.
Comment: Variant summary: BRCA2 c.1452A>G alters a non-conserved nucleotide resulting in a synonymous change. 5/5 computational tools predict no significant impact on normal splicing. However, these predictions have yet to be confirmed by functional studies. The variant allele was found at a frequency of 1.6e-05 in 244402 control chromosomes (gnomAD). To our knowledge, no occurrence of c.1452A>G in individuals affected with Hereditary Breast and Ovarian Cancer and no experimental evidence demonstrating its impact on protein function have been reported. Three clinical diagnostic laboratories and an expert panel have submitted clinical-significance assessments for this variant to ClinVar after 2014 without evidence for independent evaluation. All submitters classified the variant as likely benign. Based on the evidence outlined above, the variant was classified as likely benign.

Ambry Genetics
Classification: Likely benign for Hereditary cancer-predisposing syndrome. Last evaluated: 2018-06-20. Review status: criteria provided, single submitter. Criteria: Ambry Variant Classification Scheme 2023. Collection method: clinical testing. Allele origin: germline. Not counted in ClinVar's aggregate classification.

GeneDx
Classification: Likely benign. Last evaluated: 2017-11-02. Review status: criteria provided, single submitter. Criteria: GeneDx Variant Classification (06012015). Collection method: clinical testing. Allele origin: germline. Affected: yes. Not counted in ClinVar's aggregate classification.
Comment: This variant is considered likely benign or benign based on one or more of the following criteria: it is a conservative change, it occurs at a poorly conserved position in the protein, it is predicted to be benign by multiple in silico algorithms, and/or has population frequency not consistent with disease.

Color Diagnostics, LLC DBA Color Health
Classification: Likely benign for Hereditary cancer-predisposing syndrome. Last evaluated: 2017-02-15. Review status: criteria provided, single submitter. Criteria: ACMG Guidelines, 2015. Collection method: clinical testing. Allele origin: germline. Not counted in ClinVar's aggregate classification.

NM_000059.4(BRCA2):c.1452A>G (p.Val484=)

Gene: BRCA2 (BRCA2 DNA repair associated; plus strand). Cytogenetic location: 13q13.1.
Variant type: single nucleotide variant.
Coding change: c.1452A>G on transcript NM_000059.4 (MANE Select); coding-DNA position 1452, A replaced by G.
Protein change: p.Val484=; no amino-acid change (valine 484 retained).
Molecular consequence: synonymous variant.
Genome position (GRCh38, 1-based): chr13:32,332,930, A>G. VCF-style: chr13-32332930-A-G. GRCh37 (hg19) VCF-style: chr13-32907067-A-G.
Identifiers: ClinVar variation 184367 (VCV000184367.22), dbSNP rs753601570, ClinGen allele CA012105.